The following is an entry in ClinVar:

ClinVar aggregate classification (germline): Likely pathogenic (1 of 4 stars; one submission).

Conditions:
Familial cancer of breast. Also called: Hereditary breast cancer; hereditary breast carcinoma; BREAST CANCER, FAMILIAL. Identifiers: Orphanet 227535, MedGen C0346153, MONDO:0016419, OMIM 114480. Disease mechanism: loss of function.

Submission:

Labcorp Genetics (formerly Invitae), Labcorp
Classification: Likely pathogenic for Familial cancer of breast. Last evaluated: 2022-07-01. Review status: criteria provided, single submitter. Criteria: Invitae Variant Classification Sherloc (09022015). Collection method: clinical testing. Allele origin: germline.
Comment: In summary, the currently available evidence indicates that the variant is pathogenic, but additional data are needed to prove that conclusively. Therefore, this variant has been classified as Likely Pathogenic. This variant disrupts the C-terminal BRCT domain of BARD1 protein, which is required for chromosome stability and homology-directed repair (PMID: 17848578). A different variant (p.Val767fs) that lies downstream of this variant has been reported to affect BARD1 protein function (PMID: 30925164), this suggests that disruption of this region of the protein is causative of disease. This variant has not been reported in the literature in individuals affected with BARD1-related conditions. This variant results in the deletion of exons 5-11 and part of exon 4 and (c.565_*36336del) of the BARD1 gene. While this deletion is not anticipated to lead to nonsense mediated decay, it is expected to alter mRNA translation or result in a truncated protein product.

Literature cited by the submitters: PubMed 17848578; PubMed 30925164.

NC_000002.11:g.(?_215557064)_(215646033_?)del

Gene: BARD1 (BRCA1 associated RING domain 1; minus strand). Cytogenetic location: 2q35.
Variant type: Deletion.
Identifiers: ClinVar variation 2423131 (VCV002423131.4).